The following is an entry in ClinVar:

ClinVar aggregate classification (germline): Uncertain significance (1 of 4 stars; one submission).

Submission:

Labcorp Genetics (formerly Invitae), Labcorp
Classification: Uncertain significance. Last evaluated: 2022-02-23. Review status: criteria provided, single submitter. Criteria: Invitae Variant Classification Sherloc (09022015). Collection method: clinical testing. Allele origin: germline.
Comment: ClinVar contains an entry for this variant (Variation ID: 1058976). This variant has not been reported in the literature in individuals affected with DTHD1-related conditions. This variant is not present in population databases (gnomAD no frequency). This sequence change replaces glutamine, which is neutral and polar, with lysine, which is basic and polar, at codon 396 of the DTHD1 protein (p.Gln396Lys). Algorithms developed to predict the effect of missense changes on protein structure and function are either unavailable or do not agree on the potential impact of this missense change (SIFT: "Tolerated"; PolyPhen-2: "Possibly Damaging"; Align-GVGD: "Class C0"). In summary, the available evidence is currently insufficient to determine the role of this variant in disease. Therefore, it has been classified as a Variant of Uncertain Significance.

NM_001170700.3(DTHD1):c.2056C>A (p.Gln686Lys)

Gene: DTHD1 (death domain containing 1; plus strand). Cytogenetic location: 4p14.
Variant type: single nucleotide variant.
Coding change: c.2056C>A on transcript NM_001170700.3 (MANE Select); coding-DNA position 2056, C replaced by A.
Protein change: p.Gln686Lys; replaces glutamine 686 with lysine.
Molecular consequence: missense variant. On other transcripts: non-coding transcript variant (2).
Genome position (GRCh38, 1-based): chr4:36,308,454, C>A. VCF-style: chr4-36308454-C-A. GRCh37 (hg19) VCF-style: chr4-36310076-C-A.
Other names: c.1186C>A, p.Gln396Lys (NM_001136536.5); c.1123C>A, p.Gln375Lys (NM_001378435.1); short protein forms Q375K, Q396K, Q686K.
Identifiers: ClinVar variation 1058976 (VCV001058976.9), dbSNP rs375987946, ClinGen allele CA356681197.
Genomic context (GRCh38, chr4:36,308,454, plus strand): 5'-TTGGAAGGGTTTGGAGGACCTCCAGAGCCATCTCGTCATTTCCAAGTTCGAGAAGGAGAA[C>A]AACTTCTTTTAAGATTTACTGGAAACATATTTGCTTCAAGTAAGTATAAAGAAATCTTTT-3'
Protein context (NP_001164171.2, residues 676-696): SRHFQVREGE[Gln686Lys]LLLRFTGNIF